The following is an entry in ClinVar:

NM_033026.6(PCLO):c.9404A>T (p.His3135Leu)

Gene: PCLO (piccolo presynaptic cytomatrix protein; minus strand). Cytogenetic location: 7q21.11.
Variant type: single nucleotide variant.
Coding change: c.9404A>T on transcript NM_033026.6 (MANE Select); coding-DNA position 9404, A replaced by T.
Protein change: p.His3135Leu; replaces histidine 3135 with leucine.
Molecular consequence: missense variant.
Genome position (GRCh38, 1-based): chr7:82,951,184, T>A on the plus strand (A>T on the coding strand, the complement: PCLO is on the minus strand). VCF-style: chr7-82951184-T-A. GRCh37 (hg19) VCF-style: chr7-82580500-T-A.
Other names: c.9404A>T, p.His3135Leu (NM_014510.3); short protein forms H3135L.
Identifiers: ClinVar variation 2993797 (VCV002993797.3), dbSNP rs1046561307, ClinGen allele CA367908578.

ClinVar aggregate classification (germline): Uncertain significance (1 of 4 stars; one submission).

gnomAD v4.1: 3 of 1,613,638 alleles (0.00019%); highest among the groups gnomAD compares: Non-Finnish European, 0.00017%; no homozygotes.

Submission:

Labcorp Genetics (formerly Invitae), Labcorp
Classification: Uncertain significance. Last evaluated: 2024-10-07. Review status: criteria provided, single submitter. Criteria: Invitae Variant Classification Sherloc (09022015). Collection method: clinical testing. Allele origin: germline.
Comment: This sequence change replaces histidine, which is basic and polar, with leucine, which is neutral and non-polar, at codon 3135 of the PCLO protein (p.His3135Leu). This variant is present in population databases (no rsID available, gnomAD 0.0009%). This variant has not been reported in the literature in individuals affected with PCLO-related conditions. Experimental studies and prediction algorithms are not available or were not evaluated, and the functional significance of this variant is currently unknown. In summary, the available evidence is currently insufficient to determine the role of this variant in disease. Therefore, it has been classified as a Variant of Uncertain Significance.